The following is an entry in ClinVar:

NM_002890.3(RASA1):c.1332+1G>T

Genes: CCNH (cyclin H; minus strand), RASA1 (RAS p21 protein activator 1; plus strand). Cytogenetic location: 5q14.3.
Variant type: single nucleotide variant.
Coding change: c.1332+1G>T on transcript NM_002890.3 (MANE Select); the canonical splice donor site of the intron after coding-DNA position 1332, G replaced by T.
Molecular consequence: splice donor variant. On other transcripts: intron variant (1).
Genome position (GRCh38, 1-based): chr5:87,353,236, G>T. VCF-style: chr5-87353236-G-T. GRCh37 (hg19) VCF-style: chr5-86649053-G-T.
Other names: c.801+1G>T (NM_022650.3); c.934-40441C>A (NM_001364075.2).
Identifiers: ClinVar variation 4716727 (VCV004716727.1).

ClinVar aggregate classification (germline): Pathogenic (1 of 4 stars; one submission).

Conditions:
Capillary malformation-arteriovenous malformation syndrome. Also called: Capillary malformation-arteriovenous malformation. Identifiers: Orphanet 137667, MedGen C1842180, MONDO:0012016.

Submission:

Labcorp Genetics (formerly Invitae), Labcorp
Classification: Pathogenic for Capillary malformation-arteriovenous malformation syndrome. Last evaluated: 2025-04-04. Review status: criteria provided, single submitter. Criteria: Invitae Variant Classification Sherloc (09022015). Collection method: clinical testing. Allele origin: germline.
Comment: This sequence change affects a donor splice site in intron 9 of the RASA1 gene. It is expected to disrupt RNA splicing. Variants that disrupt the donor or acceptor splice site typically lead to a loss of protein function (PMID: 16199547), and loss-of-function variants in RASA1 are known to be pathogenic (PMID: 24038909). This variant is not present in population databases (gnomAD no frequency). Disruption of this splice site has been observed in individual(s) with clinical features of RASA1-related conditions (internal data). In at least one individual the variant was observed to be de novo. Algorithms developed to predict the effect of sequence changes on RNA splicing suggest that this variant may disrupt the consensus splice site. For these reasons, this variant has been classified as Pathogenic.

Literature cited by the submitters: PubMed 16199547; PubMed 24038909.